The following is an entry in ClinVar:

NM_015937.6(PIGT):c.545G>A (p.Cys182Tyr)

Gene: PIGT (phosphatidylinositol glycan anchor biosynthesis class T; plus strand). Cytogenetic location: 20q13.12.
Variant type: single nucleotide variant.
Coding change: c.545G>A on transcript NM_015937.6 (MANE Select); coding-DNA position 545, G replaced by A.
Protein change: p.Cys182Tyr; replaces cysteine 182 with tyrosine.
Molecular consequence: missense variant. On other transcripts: non-coding transcript variant (3).
Genome position (GRCh38, 1-based): chr20:45,419,346, G>A. VCF-style: chr20-45419346-G-A. GRCh37 (hg19) VCF-style: chr20-44047986-G-A.
Other names: c.377G>A, p.Cys126Tyr (NM_001184728.3); c.545G>A, p.Cys182Tyr (NM_001184729.3); c.239G>A, p.Cys80Tyr (NM_001184730.3); c.545G>A (NM_015937.4); short protein forms C182Y, C126Y, C80Y.
Identifiers: ClinVar variation 1984577 (VCV001984577.5), dbSNP rs763454491, ClinGen allele CA9877928.

ClinVar aggregate classification (germline): Uncertain significance. Review status: criteria provided, multiple submitters, no conflicts (2 of 4 stars). 2 submissions from 2 submitters: Uncertain significance (2). Last evaluated 2024-04-09.

Conditions:
Multiple congenital anomalies-hypotonia-seizures syndrome 3 (MCAHS3). Also called: GLYCOSYLPHOSPHATIDYLINOSITOL BIOSYNTHESIS DEFECT 7. Identifiers: Orphanet 369837, MedGen C3809356, MONDO:0014165, OMIM 615398.
Inborn genetic diseases. Identifiers: MedGen C0950123, MeSH D030342.

Allele frequency attached by ClinVar (database versions not stated): gnomAD exomes below 0.00001; ExAC 0.00001; TOPMed 0.00002; gnomAD 0.00003.
gnomAD v4.1: 7 of 1,614,008 alleles (0.00043%); highest among the groups gnomAD compares: African/African-American, 0.0093%; no homozygotes.

Submissions (2):

Ambry Genetics
Classification: Uncertain significance for Inborn genetic diseases. Last evaluated: 2024-04-09. Review status: criteria provided, single submitter. Criteria: Ambry Variant Classification Scheme 2023. Collection method: clinical testing. Allele origin: germline.

Labcorp Genetics (formerly Invitae), Labcorp
Classification: Uncertain significance for Multiple congenital anomalies-hypotonia-seizures syndrome 3. Last evaluated: 2022-05-24. Review status: criteria provided, single submitter. Criteria: Invitae Variant Classification Sherloc (09022015). Collection method: clinical testing. Allele origin: germline.
Comment: This variant is present in population databases (rs763454491, gnomAD 0.01%). In summary, the available evidence is currently insufficient to determine the role of this variant in disease. Therefore, it has been classified as a Variant of Uncertain Significance. Algorithms developed to predict the effect of missense changes on protein structure and function are either unavailable or do not agree on the potential impact of this missense change (SIFT: "Deleterious"; PolyPhen-2: "Probably Damaging"; Align-GVGD: "Class C0"). This variant has not been reported in the literature in individuals affected with PIGT-related conditions. This sequence change replaces cysteine, which is neutral and slightly polar, with tyrosine, which is neutral and polar, at codon 182 of the PIGT protein (p.Cys182Tyr).